The following is an entry in ClinVar:

ClinVar aggregate classification (germline): Uncertain significance. Review status: criteria provided, multiple submitters, no conflicts (2 of 4 stars). 6 submissions from 6 submitters: Uncertain significance (6). Last evaluated 2025-09-23.

Conditions:
Hypertrophic cardiomyopathy 1 (CMH1). Also called: MYH7-Related Familial Hypertrophic Cardiomyopathy; Familial hypertrophic cardiomyopathy 1. Identifiers: MedGen C3495498, MONDO:0008647, OMIM 192600.
Myosin storage myopathy (CMYO7A). Also called: SCAPULOPERONEAL MUSCULAR DYSTROPHY; SCAPULOPERONEAL SYNDROME, MYOPATHIC TYPE; MYH7-related late-onset scapuloperoneal muscular dystrophy; Congenital myopathy 7A, myosin storage, autosomal dominant; MYOPATHY WITH LYSIS OF TYPE I MYOFIBRILS; Scapuloperoneal myopathy, MYH7-related. Identifiers: Orphanet 437572, Orphanet 636965, MedGen C1842160, MONDO:0008409, OMIM 608358.
Congenital myopathy with fiber type disproportion. Also called: Congenital fiber-type disproportion myopathy; Congenital fiber-type disproportion. Identifiers: Orphanet 2020, MedGen C0546264, MONDO:0009711. Inheritance: all.
Myopathy, myosin storage, autosomal recessive (CMYO7B). Also called: CONGENITAL MYOPATHY 7B, MYOSIN STORAGE, AUTOSOMAL RECESSIVE. Identifiers: Orphanet 636970, MedGen C1850709, MONDO:0009708, OMIM 255160.
MYH7-related skeletal myopathy. Also called: Laing distal myopathy; Myopathy, distal, 1; MYOPATHY, DISTAL, EARLY-ONSET, AUTOSOMAL DOMINANT; MYOPATHY, LATE DISTAL HEREDITARY; Laing early-onset distal myopathy. Identifiers: Orphanet 59135, MedGen C4552004, MONDO:0008050, OMIM 160500.
Dilated cardiomyopathy 1S (CMD1S). Identifiers: Orphanet 154, Orphanet 54260, MedGen C1834481, MONDO:0013262, OMIM 613426.
Cardiovascular phenotype. Identifiers: MedGen CN230736.
Cardiomyopathy (CMYO). Also called: Cardiomyopathies. Identifiers: Orphanet 167848, MedGen C0878544, MONDO:0004994, HP:0001638. Inheritance: Various modes of inheritance.
Hypertrophic cardiomyopathy. Also called: HYPERTROPHIC MYOCARDIOPATHY. Identifiers: Orphanet 217569, MedGen C0007194, MeSH D002312, MONDO:0005045, HP:0001639.

Allele frequency attached by ClinVar (database versions not stated): gnomAD exomes below 0.00001; gnomAD 0.00001.
gnomAD v4.1: 7 of 1,607,200 alleles (0.00044%); highest among the groups gnomAD compares: Non-Finnish European, 0.00051%; no homozygotes.

Submissions (6):

Color Diagnostics, LLC DBA Color Health
Classification: Uncertain significance for Cardiomyopathy. Last evaluated: 2025-09-23. Review status: criteria provided, single submitter. Criteria: ACMG Guidelines, 2015. Collection method: clinical testing. Allele origin: germline.
Comment: This missense variant replaces glycine with arginine at codon 1204 of the MYH7 protein. Computational prediction is inconclusive regarding the impact of this variant on protein structure and function. To our knowledge, functional studies have not been reported for this variant. This variant has been reported in several individuals affected with hypertrophic cardiomyopathy (PMID: 27247418, 28771489, 30297972) and suspected restrictive cardiomyopathy (PMID: 33954932). This variant has not been identified in the general population by the Genome Aggregation Database (gnomAD). The available evidence is insufficient to determine the role of this variant in disease conclusively. Therefore, this variant is classified as a Variant of Uncertain Significance.

Labcorp Genetics (formerly Invitae), Labcorp
Classification: Uncertain significance for Hypertrophic cardiomyopathy. Last evaluated: 2025-08-03. Review status: criteria provided, single submitter. Criteria: Invitae Variant Classification Sherloc (09022015). Collection method: clinical testing. Allele origin: germline.
Comment: This sequence change replaces glycine, which is neutral and non-polar, with arginine, which is basic and polar, at codon 1204 of the MYH7 protein (p.Gly1204Arg). This variant is present in population databases (rs397516188, gnomAD 0.0009%). This missense change has been observed in individual(s) with hypertrophic cardiomyopathy (PMID: 27247418). ClinVar contains an entry for this variant (Variation ID: 42966). Invitae Evidence Modeling of protein sequence and biophysical properties (such as structural, functional, and spatial information, amino acid conservation, physicochemical variation, residue mobility, and thermodynamic stability) indicates that this missense variant is expected to disrupt MYH7 protein function with a positive predictive value of 95%. In summary, the available evidence is currently insufficient to determine the role of this variant in disease. Therefore, it has been classified as a Variant of Uncertain Significance.

GeneDx
Classification: Uncertain significance. Last evaluated: 2025-07-17. Review status: criteria provided, single submitter. Criteria: GeneDx Variant Classification Process June 2021. Collection method: clinical testing. Allele origin: germline. Affected: yes.
Comment: Not observed at significant frequency in large population cohorts (gnomAD); In silico analysis supports that this missense variant has a deleterious effect on protein structure/function; This variant is associated with the following publications: (PMID: 34542152, 27247418, 28771489)

Ambry Genetics
Classification: Uncertain significance for Cardiovascular phenotype. Last evaluated: 2023-09-11. Review status: criteria provided, single submitter. Criteria: Ambry General Variant Classification Scheme_2022. Collection method: clinical testing. Allele origin: germline.
Comment: The p.G1204R variant (also known as c.3610G>C), located in coding exon 25 of the MYH7 gene, results from a G to C substitution at nucleotide position 3610. The glycine at codon 1204 is replaced by arginine, an amino acid with dissimilar properties. This variant has been detected in individuals from hypertrophic cardiomyopathy cohorts, and in a cohort not selected for the presence of cardiomyopathy; however, details were limited (Homburger JR et al. Proc Natl Acad Sci U S A, 2016 Jun;113:6701-6; Mademont-Soler I et al. PLoS One, 2017 Aug;12:e0181465; Park J et al. Hum Mol Genet, 2022 Mar;31:827-837). This amino acid position is well conserved in available vertebrate species. In addition, this alteration is predicted to be tolerated by in silico analysis. Since supporting evidence is limited at this time, the clinical significance of this alteration remains unclear.

Laboratory for Molecular Medicine, Mass General Brigham Personalized Medicine
Classification: Uncertain significance. Last evaluated: 2020-05-11. Review status: criteria provided, single submitter. Criteria: LMM Criteria. Collection method: clinical testing. Allele origin: germline. Observed: 1 variant allele.
Comment: The p.Gly1204Arg variant in MYH7 has been reported in at least 1 individual with hypertrophic cardiomyopathy (LMM Data, Homberger 2016 PMID 27247418), and has also been identified in 1/112264 of European chromosomes by gnomAD. This variant has also been reported by other clinical laboratories in ClinVar (Variation ID 52136). Computational prediction tools and conservation analyses do not provide strong support for or against an impact to the protein. In summary, the clinical significance of this variant is uncertain. ACMG/AMP Criteria applied: PM2.

Fulgent Genetics
Classification: Uncertain significance for MYH7-related skeletal myopathy; Myosin storage myopathy; Hypertrophic cardiomyopathy 1; Myopathy, myosin storage, autosomal recessive; Congenital myopathy 4A, autosomal dominant; Dilated cardiomyopathy 1S. Last evaluated: 2018-10-31. Review status: criteria provided, single submitter. Criteria: ACMG Guidelines, 2015. Collection method: clinical testing. Allele origin: unknown.

Literature cited by the submitters: PubMed 27247418 (cited by 4 submitters); PubMed 28771489 (cited by Color Diagnostics, LLC DBA Color Health and Ambry Genetics); PubMed 30297972 (cited by Color Diagnostics, LLC DBA Color Health); PubMed 33954932 (cited by Color Diagnostics, LLC DBA Color Health); PubMed 34542152 (cited by Ambry Genetics).

NM_000257.4(MYH7):c.3610G>C (p.Gly1204Arg)

Gene: MYH7 (myosin heavy chain 7; minus strand). Cytogenetic location: 14q11.2.
Variant type: single nucleotide variant.
Coding change: c.3610G>C on transcript NM_000257.4 (MANE Select); coding-DNA position 3610, G replaced by C.
Protein change: p.Gly1204Arg; replaces glycine 1204 with arginine.
Molecular consequence: missense variant.
Genome position (GRCh38, 1-based): chr14:23,419,961, C>G on the plus strand (G>C on the coding strand, the complement: MYH7 is on the minus strand). VCF-style: chr14-23419961-C-G. GRCh37 (hg19) VCF-style: chr14-23889170-C-G.
Other names: short protein forms G1204R.
Identifiers: ClinVar variation 42966 (VCV000042966.20), dbSNP rs397516188, ClinGen allele CA013846.
Genomic context (GRCh38, chr14:23,419,961, plus strand): 5'-ACTCGCTCTTCTCCTTCTCCAGCTTCTGCTTCACCCGCTGCAGGTTGTCGATCTGCTCGC[C>G]CAGCTCGGCCACGCTGTCGGCGTGCTTCTTGCGCAGGGCCGCGGCAGTGGCCTCGTGCTG-3'
Protein context (NP_000248.2, residues 1194-1214): KKHADSVAEL[Gly1204Arg]EQIDNLQRVK